The following is an entry in ClinVar:

ClinVar aggregate classification (germline): Conflicting classifications of pathogenicity. Review status: criteria provided, conflicting classifications (1 of 4 stars). 7 submissions from 7 submitters: Uncertain significance (3); Likely benign (4). Last evaluated 2026-07-01.

Allele frequency attached by ClinVar (database versions not stated): gnomAD 0.00003; ExAC 0.00004; gnomAD exomes 0.00005; TOPMed 0.00005.
gnomAD v4.1: 81 of 1,603,136 alleles (0.0051%); highest among the groups gnomAD compares: Non-Finnish European, 0.0057%; no homozygotes.

Submissions (7):

CeGaT Center for Human Genetics Tuebingen
Classification: Likely benign. Last evaluated: 2026-07-01. Review status: criteria provided, single submitter. Criteria: CeGaT Center For Human Genetics Tuebingen Variant Classification Criteria Version 2. Collection method: clinical testing. Allele origin: germline. Affected: yes. Observed: 1 variant allele.
Comment: TTN: BP4

Molecular Diagnostic Laboratory for Inherited Cardiovascular Disease, Montreal Heart Institute
Classification: Likely benign. Last evaluated: 2025-07-24. Review status: criteria provided, single submitter. Criteria: ACMG Guidelines, 2015. Collection method: clinical testing. Allele origin: germline. Affected: no.
Comment: BP1

Women's Health and Genetics/Laboratory Corporation of America, LabCorp
Classification: Uncertain significance. Last evaluated: 2025-06-27. Review status: criteria provided, single submitter. Criteria: LabCorp Variant Classification Summary - May 2015. Collection method: clinical testing. Allele origin: germline.
Comment: Variant summary: TTN c.44302G>A (p.Val14768Ile) results in a conservative amino acid change in the encoded protein sequence. Algorithms developed to predict the effect of missense changes on protein structure and function all suggest that this variant is likely to be tolerated. The variant allele was found at a frequency of 5e-05 in 240602 control chromosomes (gnomAD). This frequency is not significantly higher than estimated for a pathogenic variant in TTN causing Dilated Cardiomyopathy (5e-05 vs 0.00039), allowing no conclusion about variant significance. To our knowledge, no occurrence of c.44302G>A in individuals affected with Dilated Cardiomyopathy and no experimental evidence demonstrating its impact on protein function have been reported. ClinVar contains an entry for this variant (Variation ID: 165999). Based on the evidence outlined above, the variant was classified as uncertain significance.

Revvity Omics, Revvity
Classification: Uncertain significance. Last evaluated: 2024-08-28. Review status: criteria provided, single submitter. Criteria: ACMG Guidelines, 2015. Collection method: clinical testing. Allele origin: germline.

GeneDx
Classification: Likely benign. Last evaluated: 2019-01-02. Review status: criteria provided, single submitter. Criteria: GeneDx Variant Classification Process June 2021. Collection method: clinical testing. Allele origin: germline. Affected: yes.

Eurofins Ntd Llc (ga)
Classification: Uncertain significance. Last evaluated: 2017-06-27. Review status: criteria provided, single submitter. Criteria: EGL Classification Definitions 2015. Collection method: clinical testing. Allele origin: germline. Observed: 2 variant alleles, 2 heterozygotes.

Laboratory for Molecular Medicine, Mass General Brigham Personalized Medicine
Classification: Likely benign. Last evaluated: 2013-07-17. Review status: criteria provided, single submitter. Criteria: LMM Criteria. Collection method: clinical testing. Allele origin: germline. Observed: 1 variant allele.
Comment: Val14768Ile in exon 222 of TTN: This variant is not expected to have clinical si gnificance due to a lack of conservation across species. Two mammalian species (mouse and platypus) carry an isoleucine (Ile, this variant) despite high nearby amino acid conservation, suggesting that this change does not result in disease .

NM_001267550.2(TTN):c.52006G>A (p.Val17336Ile)

Genes: TTN-AS1 (TTN antisense RNA 1; plus strand), TTN (titin; minus strand). Cytogenetic location: 2q31.2.
Variant type: single nucleotide variant.
Coding change: c.52006G>A on transcript NM_001267550.2 (MANE Select); coding-DNA position 52006, G replaced by A.
Protein change: p.Val17336Ile; replaces valine 17336 with isoleucine.
Molecular consequence: missense variant.
Genome position (GRCh38, 1-based): chr2:178,609,304, C>T on the plus strand (G>A on the coding strand, the complement: TTN is on the minus strand). VCF-style: chr2-178609304-C-T. GRCh37 (hg19) VCF-style: chr2-179474031-C-T.
Other names: c.47083G>A, p.Val15695Ile (NM_001256850.1); c.24811G>A, p.Val8271Ile (NM_003319.4); c.25186G>A, p.Val8396Ile (NM_133432.3); c.25387G>A, p.Val8463Ile (NM_133437.4); c.44302G>A, p.Val14768Ile (NM_133378.4); short protein forms V14768I, V17336I, V8463I, V8271I, V8396I, V15695I.
Identifiers: ClinVar variation 165999 (VCV000165999.18), dbSNP rs567781604, ClinGen allele CA178794.